The following is an entry in ClinVar:

ClinVar aggregate classification (germline): Uncertain significance. Review status: criteria provided, multiple submitters, no conflicts (2 of 4 stars). 2 submissions from 2 submitters: Uncertain significance (2). Last evaluated 2024-03-20.

Conditions:
Inborn genetic diseases. Identifiers: MedGen C0950123, MeSH D030342.
TH-deficient dopa-responsive dystonia. Also called: Tyrosine Hydroxylase-Deficient Dopa-Responsive Dystonia; Segawa syndrome, autosomal recessive; DYT-TH. Identifiers: Orphanet 101150, MedGen C2673535, MONDO:0011551, OMIM 605407.

Allele frequency attached by ClinVar (database versions not stated): gnomAD exomes below 0.00001 and 0.00001; ExAC 0.00001; gnomAD 0.00002; TOPMed 0.00003.
gnomAD v4.1: 10 of 1,611,768 alleles (0.00062%); highest among the groups gnomAD compares: Admixed American, 0.0083%; no homozygotes.

Submissions (2):

Ambry Genetics
Classification: Uncertain significance for Inborn genetic diseases. Last evaluated: 2024-03-20. Review status: criteria provided, single submitter. Criteria: Ambry Variant Classification Scheme 2023. Collection method: clinical testing. Allele origin: germline.

Labcorp Genetics (formerly Invitae), Labcorp
Classification: Uncertain significance for TH-deficient dopa-responsive dystonia. Last evaluated: 2022-02-10. Review status: criteria provided, single submitter. Criteria: Invitae Variant Classification Sherloc (09022015). Collection method: clinical testing. Allele origin: germline.
Comment: This sequence change replaces glutamic acid, which is acidic and polar, with alanine, which is neutral and non-polar, at codon 160 of the TH protein (p.Glu160Ala). This variant is present in population databases (rs745829277, gnomAD 0.009%). This variant has not been reported in the literature in individuals affected with TH-related conditions. Advanced modeling of protein sequence and biophysical properties (such as structural, functional, and spatial information, amino acid conservation, physicochemical variation, residue mobility, and thermodynamic stability) performed at Invitae indicates that this missense variant is expected to disrupt TH protein function. In summary, the available evidence is currently insufficient to determine the role of this variant in disease. Therefore, it has been classified as a Variant of Uncertain Significance.

NM_000360.4(TH):c.386A>C (p.Glu129Ala)

Gene: TH (tyrosine hydroxylase; minus strand). Cytogenetic location: 11p15.5.
Variant type: single nucleotide variant.
Coding change: c.386A>C on transcript NM_000360.4 (MANE Select); coding-DNA position 386, A replaced by C.
Protein change: p.Glu129Ala; replaces glutamic acid 129 with alanine.
Molecular consequence: missense variant.
Genome position (GRCh38, 1-based): chr11:2,168,592, T>G on the plus strand (A>C on the coding strand, the complement: TH is on the minus strand). VCF-style: chr11-2168592-T-G. GRCh37 (hg19) VCF-style: chr11-2189822-T-G.
Other names: c.479A>C, p.Glu160Ala (NM_199292.3); c.467A>C, p.Glu156Ala (NM_199293.3); c.479A>C (NM_199292.2); short protein forms E129A, E160A, E156A.
Identifiers: ClinVar variation 1438082 (VCV001438082.4), dbSNP rs745829277, ClinGen allele CA5818686.